The following is an entry in ClinVar:

ClinVar aggregate classification (germline): Pathogenic (1 of 4 stars; one submission).

Submission:

Labcorp Genetics (formerly Invitae), Labcorp
Classification: Pathogenic. Last evaluated: 2025-10-13. Review status: criteria provided, single submitter. Criteria: Invitae Variant Classification Sherloc (09022015). Collection method: clinical testing. Allele origin: germline.
Comment: This sequence change creates a premature translational stop signal (p.Ser1349Cysfs*18) in the USH2A gene. It is expected to result in an absent or disrupted protein product. Loss-of-function variants in USH2A are known to be pathogenic (PMID: 10729113, 10909849, 20507924, 25649381). This variant is not present in population databases (gnomAD no frequency). This variant has not been reported in the literature in individuals affected with USH2A-related conditions. For these reasons, this variant has been classified as Pathogenic.

Literature cited by the submitters: PubMed 10729113; PubMed 10909849; PubMed 20507924; PubMed 25649381.

NM_206933.4(USH2A):c.4044_4045dup (p.Ser1349fs)

Genes: USH2A (usherin; minus strand), USH2A-AS1 (USH2A antisense RNA 1; plus strand). Cytogenetic location: 1q41.
Variant type: Microsatellite.
Coding change: c.4044_4045dup on transcript NM_206933.4 (MANE Select); coding-DNA positions 4044 to 4045, 2 bases duplicated (GT; older notation c.4044_4045dupGT).
Protein change: p.Ser1349fs; shifts the reading frame from serine 1349.
Molecular consequence: frameshift variant.
Genome position (GRCh38, 1-based): chr1:216,198,351-216,198,352, AC duplicated on the plus strand (GT on the coding strand, the reverse complement: USH2A is on the minus strand); duplicating any 2 consecutive bases within chr1:216,198,351-216,198,356 gives the same sequence; the c. name uses the placement nearest the transcript's 3' end. VCF-style (leftmost placement, unchanged base first): chr1-216198350-G-GAC. GRCh37 (hg19) VCF-style: chr1-216371692-G-GAC.
Other names: c.4044_4045dup, p.Ser1349fs (NM_007123.6); short protein forms S1349fs.
Identifiers: ClinVar variation 4807676 (VCV004807676.1).